The following is an entry in ClinVar:

NM_001267550.2(TTN):c.41939_41942del (p.Glu13980fs)

Gene: TTN (titin; minus strand). Cytogenetic location: 2q31.2.
Variant type: Microsatellite.
Coding change: c.41939_41942del on transcript NM_001267550.2 (MANE Select); coding-DNA positions 41939 to 41942, 4 bases deleted (AAAG; older notation c.41939_41942delAAAG).
Protein change: p.Glu13980fs; shifts the reading frame from glutamic acid 13980.
Molecular consequence: frameshift variant.
Genome position (GRCh38, 1-based): chr2:178,635,247-178,635,250, CTTT deleted on the plus strand (AAAG on the coding strand, the reverse complement: TTN is on the minus strand); deleting any 4 consecutive bases within chr2:178,635,247-178,635,256 gives the same sequence; the c. name uses the placement nearest the transcript's 3' end. VCF-style (leftmost placement, unchanged base first): chr2-178635246-ACTTT-A. GRCh37 (hg19) VCF-style: chr2-179499973-ACTTT-A.
Other names: c.37016_37019del, p.Glu12339fs (NM_001256850.1); c.14744_14747del, p.Glu4915fs (NM_003319.4); c.34235_34238del, p.Glu11412fs (NM_133378.4); c.15119_15122del, p.Glu5040fs (NM_133432.3); c.15320_15323del, p.Glu5107fs (NM_133437.4); short protein forms E11412fs, E12339fs, E13980fs, E4915fs, E5040fs, E5107fs.
Identifiers: ClinVar variation 3755674 (VCV003755674.2).
Genomic context (GRCh38, chr2:178,635,246, plus strand): 5'-TCCTTTCAGTTTCCATTGTCCAGGAATGTCTGCCTCTGAGATTTCTGCATCAAAGCTTGC[ACTTT>A]CTTTCTCATAAATGGTAACGTCCTCTATTGGTTTAAGCAGTTCAACTTCACGCTCTGTAT-3'

ClinVar aggregate classification (germline): Likely pathogenic (1 of 4 stars; one submission).

Conditions:
Dilated cardiomyopathy 1G (CMD1G). Identifiers: Orphanet 154, MedGen C1858763, MONDO:0011400, OMIM 604145.
Autosomal recessive limb-girdle muscular dystrophy type 2J (LGMDR10). Also called: Limb-girdle muscular dystrophy, type 2J; MUSCULAR DYSTROPHY, LIMB-GIRDLE, AUTOSOMAL RECESSIVE 10. Identifiers: Orphanet 140922, MedGen C1837342, MONDO:0012127, OMIM 608807.

Submission:

Labcorp Genetics (formerly Invitae), Labcorp
Classification: Likely pathogenic for Dilated cardiomyopathy 1G; Autosomal recessive limb-girdle muscular dystrophy type 2J. Last evaluated: 2025-03-07. Review status: criteria provided, single submitter. Criteria: Invitae Variant Classification Sherloc (09022015). Collection method: clinical testing. Allele origin: germline.
Comment: This sequence change creates a premature translational stop signal (p.Glu13980Valfs*19) in the TTN gene. While this is not anticipated to result in nonsense mediated decay, it is expected to create a truncated TTN protein. This variant is not present in population databases (gnomAD no frequency). This variant has not been reported in the literature in individuals affected with TTN-related conditions. This variant is located in the I band of TTN (PMID: 25589632). Truncating variants in this region have been reported in individuals affected with autosomal recessive centronuclear myopathy (PMID: 23975875, internal data). Truncating variants in this region have also been identified in individuals affected with autosomal dominant dilated cardiomyopathy and/or cardio-related conditions (PMID: 27869827, 32964742, internal data). In summary, the currently available evidence indicates that the variant is pathogenic, but additional data are needed to prove that conclusively. Therefore, this variant has been classified as Likely Pathogenic.

Literature cited by the submitters: PubMed 25589632; PubMed 23975875; PubMed 27869827; PubMed 32964742.